The following is an entry in ClinVar:

ClinVar aggregate classification (germline): Uncertain significance (1 of 4 stars; one submission).

gnomAD v4.1: 9 of 1,614,052 alleles (0.00056%); highest among the groups gnomAD compares: Non-Finnish European, 0.00068%; no homozygotes.

Submission:

Mayo Clinic Laboratories, Mayo Clinic
Classification: Uncertain significance. Last evaluated: 2022-10-31. Review status: criteria provided, single submitter. Criteria: ACMG Guidelines, 2015. Collection method: clinical testing. Allele origin: germline. Observed: 1 variant allele.
Comment: BP4, PM2

NM_001114134.2(EPB42):c.736C>G (p.Arg246Gly)

Gene: EPB42 (erythrocyte membrane protein band 4.2; minus strand). Cytogenetic location: 15q15.2.
Variant type: single nucleotide variant.
Coding change: c.736C>G on transcript NM_001114134.2 (MANE Select); coding-DNA position 736, C replaced by G.
Protein change: p.Arg246Gly; replaces arginine 246 with glycine.
Molecular consequence: missense variant.
Genome position (GRCh38, 1-based): chr15:43,209,370, G>C on the plus strand (C>G on the coding strand, the complement: EPB42 is on the minus strand). VCF-style: chr15-43209370-G-C. GRCh37 (hg19) VCF-style: chr15-43501568-G-C.
Other names: p.Arg276Gly; c.826C>G, p.Arg276Gly (NM_000119.3); short protein forms R246G, R276G.
Identifiers: ClinVar variation 2683299 (VCV002683299.1), dbSNP rs770888181, ClinGen allele CA392116640.